The following is an entry in ClinVar:

NM_019594.4(LRRC8A):c.1141_1142del (p.Gln381fs)

Gene: LRRC8A (leucine rich repeat containing 8 VRAC subunit A; plus strand). Cytogenetic location: 9q34.11.
Variant type: Deletion.
Coding change: c.1141_1142del on transcript NM_019594.4 (MANE Select); coding-DNA positions 1141 to 1142, 2 bases deleted (CA; older notation c.1141_1142delCA).
Protein change: p.Gln381fs; shifts the reading frame from glutamine 381.
Molecular consequence: frameshift variant.
Genome position (GRCh38, 1-based): chr9:128,908,305-128,908,306, CA deleted. VCF-style (leftmost placement, unchanged base first): chr9-128908304-CCA-C. GRCh37 (hg19) VCF-style: chr9-131670583-CCA-C.
Other names: c.1141_1142del, p.Gln381fs (NM_001127244.2, NM_001127245.2); short protein forms Q381fs.
Identifiers: ClinVar variation 4728847 (VCV004728847.1).

ClinVar aggregate classification (germline): Uncertain significance (1 of 4 stars; one submission).

Submission:

Labcorp Genetics (formerly Invitae), Labcorp
Classification: Uncertain significance. Last evaluated: 2025-10-09. Review status: criteria provided, single submitter. Criteria: Invitae Variant Classification Sherloc (09022015). Collection method: clinical testing. Allele origin: germline.
Comment: This sequence change creates a premature translational stop signal (p.Gln381Ilefs*18) in the LRRC8A gene. It is expected to result in an absent or disrupted protein product. However, the current clinical and genetic evidence is not sufficient to establish whether loss-of-function variants in LRRC8A cause disease. This variant is not present in population databases (gnomAD no frequency). This variant has not been reported in the literature in individuals affected with LRRC8A-related conditions. In summary, the available evidence is currently insufficient to determine the role of this variant in disease. Therefore, it has been classified as a Variant of Uncertain Significance.